The following is an entry in ClinVar:

NM_000785.4(CYP27B1):c.609C>A (p.Leu203=)

Gene: CYP27B1 (cytochrome P450 family 27 subfamily B member 1; minus strand). Cytogenetic location: 12q14.1.
Variant type: single nucleotide variant.
Coding change: c.609C>A on transcript NM_000785.4 (MANE Select); coding-DNA position 609, C replaced by A.
Protein change: p.Leu203=; no amino-acid change (leucine 203 retained).
Molecular consequence: synonymous variant.
Genome position (GRCh38, 1-based): chr12:57,765,192, G>T on the plus strand (C>A on the coding strand, the complement: CYP27B1 is on the minus strand). VCF-style: chr12-57765192-G-T. GRCh37 (hg19) VCF-style: chr12-58158975-G-T.
Identifiers: ClinVar variation 2024011 (VCV002024011.2), dbSNP rs1392793756, ClinGen allele CA480403223.

ClinVar aggregate classification (germline): Uncertain significance (1 of 4 stars; one submission).

Allele frequency attached by ClinVar (database versions not stated): TOPMed 0.00001.

Submission:

Labcorp Genetics (formerly Invitae), Labcorp
Classification: Uncertain significance. Last evaluated: 2025-06-12. Review status: criteria provided, single submitter. Criteria: Invitae Variant Classification Sherloc (09022015). Collection method: clinical testing. Allele origin: germline.
Comment: This sequence change affects codon 203 of the CYP27B1 mRNA. It is a 'silent' change, meaning that it does not change the encoded amino acid sequence of the CYP27B1 protein. This variant is not present in population databases (gnomAD no frequency). This variant has not been reported in the literature in individuals affected with CYP27B1-related conditions. ClinVar contains an entry for this variant (Variation ID: 2024011). Algorithms developed to predict the effect of sequence changes on RNA splicing suggest that this variant may create or strengthen a splice site. In summary, the available evidence is currently insufficient to determine the role of this variant in disease. Therefore, it has been classified as a Variant of Uncertain Significance.